The following is an entry in ClinVar:

ClinVar aggregate classification (germline): Uncertain significance (1 of 4 stars; one submission).

Conditions:
Glycogen storage disease, type II (IOPD). Also called: Pompe Disease; CARDIOMEGALIA GLYCOGENICA DIFFUSA; GLYCOGENOSIS, GENERALIZED, CARDIAC FORM; GSD II; POMPE DISEASE, INFANTILE-ONSET; GLYCOGEN STORAGE DISEASE II, INFANTILE-ONSET. Identifiers: Orphanet 365, MedGen C0017921, MONDO:0009290, OMIM 232300.

gnomAD v4.1: 1 of 1,614,168 alleles (0.000062%); highest among the groups gnomAD compares: Non-Finnish European, 0.000085%; no homozygotes.

Submission:

Genomenon, Inc
Classification: Uncertain significance for Glycogen storage disease, type II. Last evaluated: 2026-07-01. Review status: criteria provided, single submitter. Criteria: Genomenon Sequence Variant Interpretation Standards - Updated. Collection method: curation. Allele origin: germline. Affected: yes.
Comment: GAA p.Trp498Ser (c.1493G>C) is a missense variant that changes the amino acid at codon 498 from Tryptophan to Serine. This variant has been observed in at least one proband with a GAA-related disorder (PMID:40225932). It is absent or not present at a significant frequency in gnomAD. In silico models predict that this variant is possibly or probably damaging. In conclusion, we classify GAA p.Trp498Ser (c.1493G>C) as a variant of uncertain significance.

Literature cited by the submitters: PubMed 40225932.

NM_000152.5(GAA):c.1493G>C (p.Trp498Ser)

Gene: GAA (alpha glucosidase; plus strand). Cytogenetic location: 17q25.3.
Variant type: single nucleotide variant.
Coding change: c.1493G>C on transcript NM_000152.5 (MANE Select); coding-DNA position 1493, G replaced by C.
Protein change: p.Trp498Ser; replaces tryptophan 498 with serine.
Molecular consequence: missense variant.
Genome position (GRCh38, 1-based): chr17:80,110,782, G>C. VCF-style: chr17-80110782-G-C. GRCh37 (hg19) VCF-style: chr17-78084581-G-C.
Other names: c.1493G>C, p.Trp498Ser (NM_001079803.3, NM_001079804.3, NM_001406741.1 and 1 more transcripts); short protein forms W498S.
Identifiers: ClinVar variation 4876310 (VCV004876310.1).